The following is an entry in ClinVar:

NM_007294.4(BRCA1):c.1777A>C (p.Asn593His)

Gene: BRCA1 (BRCA1 DNA repair associated; minus strand). Cytogenetic location: 17q21.31.
Variant type: single nucleotide variant.
Coding change: c.1777A>C on transcript NM_007294.4 (MANE Select); coding-DNA position 1777, A replaced by C.
Protein change: p.Asn593His; replaces asparagine 593 with histidine.
Molecular consequence: missense variant. On other transcripts: intron variant (137).
Genome position (GRCh38, 1-based): chr17:43,093,754, T>G on the plus strand (A>C on the coding strand, the complement: BRCA1 is on the minus strand). VCF-style: chr17-43093754-T-G. GRCh37 (hg19) VCF-style: chr17-41245771-T-G.
Other names: c.667+2092A>C (NM_001408424.1, NM_001408431.1, NM_001408421.1); c.784+990A>C (NM_001408407.1, NM_001408402.1, NM_001408397.1 and 13 more transcripts); c.661+990A>C (NM_001408432.1, NM_001408445.1, NM_001408446.1 and 6 more transcripts); c.577+990A>C (NM_001408479.1, NM_001408481.1, NM_001408480.1 and 9 more transcripts); c.1564A>C, p.Asn522His (NM_001407571.1, NM_001407853.1, NM_001407894.1 and 9 more transcripts); c.1777A>C, p.Asn593His (NM_001407581.1, NM_001407582.1, NM_001407583.1 and 30 more transcripts); c.1774A>C, p.Asn592His (NM_001407587.1, NM_001407590.1, NM_001407591.1 and 22 more transcripts); c.1696A>C, p.Asn566His (NM_001407659.1, NM_001407660.1, NM_001407661.1 and 1 more transcripts); and 40 more; short protein forms N297H, N425H, N465H, N481H, N504H, N505H, N523H, N525H.
Identifiers: ClinVar variation 1779891 (VCV001779891.9), dbSNP rs772975110, ClinGen allele CA057501.

ClinVar aggregate classification (germline): Conflicting classifications of pathogenicity. Review status: criteria provided, conflicting classifications (1 of 4 stars). 4 submissions from 4 submitters: Uncertain significance (3); Likely benign (1). Last evaluated 2024-07-29.

Conditions:
Hereditary cancer-predisposing syndrome. Also called: Neoplastic Syndromes, Hereditary; Tumor predisposition; Hereditary Cancer Syndrome; Hereditary neoplastic syndrome. Identifiers: Orphanet 140162, MedGen C0027672, MeSH D009386, MONDO:0015356.
Hereditary breast ovarian cancer syndrome. Also called: Hereditary breast and ovarian cancer; Hereditary breast and ovarian cancer syndrome; Breast and ovarian cancer; Hereditary breast and/or ovarian cancer syndrome; BRCA1- and BRCA2-Associated Hereditary Breast and Ovarian Cancer; Hereditary breast and ovarian cancer syndrome (HBOC). Identifiers: Orphanet 145, MedGen C0677776, MeSH D061325, MONDO:0003582. Disease mechanism: loss of function.

Allele frequency attached by ClinVar (database versions not stated): ExAC 0.00001.
gnomAD v4.1: 1 of 1,614,052 alleles (0.000062%); highest among the groups gnomAD compares: Non-Finnish European, 0.000085%; no homozygotes.

Submissions (4):

Color Diagnostics, LLC DBA Color Health
Classification: Uncertain significance for Hereditary cancer-predisposing syndrome. Last evaluated: 2024-07-29. Review status: criteria provided, single submitter. Criteria: ACMG Guidelines, 2015. Collection method: clinical testing. Allele origin: germline.
Comment: This missense variant replaces asparagine with histidine at codon 593 of the BRCA1 protein. Computational prediction suggests that this variant may not impact protein structure and function. To our knowledge, functional studies have not been reported for this variant. This variant has not been reported in individuals affected with BRCA1-related disorders in the literature. This variant has been identified in 1/251100 chromosomes in the general population by the Genome Aggregation Database (gnomAD). The available evidence is insufficient to determine the role of this variant in disease conclusively. Therefore, this variant is classified as a Variant of Uncertain Significance.

Labcorp Genetics (formerly Invitae), Labcorp
Classification: Uncertain significance for Hereditary breast ovarian cancer syndrome. Last evaluated: 2024-04-10. Review status: criteria provided, single submitter. Criteria: Invitae Variant Classification Sherloc (09022015). Collection method: clinical testing. Allele origin: germline.
Comment: This sequence change replaces asparagine, which is neutral and polar, with histidine, which is basic and polar, at codon 593 of the BRCA1 protein (p.Asn593His). This variant is present in population databases (rs772975110, gnomAD 0.0009%). This variant has not been reported in the literature in individuals affected with BRCA1-related conditions. ClinVar contains an entry for this variant (Variation ID: 1779891). Advanced modeling of protein sequence and biophysical properties (such as structural, functional, and spatial information, amino acid conservation, physicochemical variation, residue mobility, and thermodynamic stability) performed at Invitae indicates that this missense variant is not expected to disrupt BRCA1 protein function with a negative predictive value of 95%. In summary, the available evidence is currently insufficient to determine the role of this variant in disease. Therefore, it has been classified as a Variant of Uncertain Significance.

Ambry Genetics
Classification: Uncertain significance for Hereditary cancer-predisposing syndrome. Last evaluated: 2024-03-02. Review status: criteria provided, single submitter. Criteria: Ambry Variant Classification Scheme 2023. Collection method: clinical testing. Allele origin: germline.
Comment: The p.N593H variant (also known as c.1777A>C), located in coding exon 9 of the BRCA1 gene, results from an A to C substitution at nucleotide position 1777. The asparagine at codon 593 is replaced by histidine, an amino acid with similar properties. This amino acid position is conserved. In addition, the in silico prediction for this alteration is inconclusive. Since supporting evidence is limited at this time, the clinical significance of this alteration remains unclear.

University of Washington Department of Laboratory Medicine, University of Washington
Classification: Likely benign for Hereditary cancer-predisposing syndrome. Last evaluated: 2023-03-23. Review status: criteria provided, single submitter. Criteria: Dines et al. (Genet Med. 2020). Collection method: curation. Allele origin: germline.
Comment: Missense variant in a coldspot region where missense variants are very unlikely to be pathogenic (PMID:31911673).

BRCA1 coldspot (exon 11 using historical exon numbering). Reclassification based on statistical prior probability